The following is an entry in ClinVar:

ClinVar aggregate classification (germline): Uncertain significance (1 of 4 stars; one submission).

Submission:

Labcorp Genetics (formerly Invitae), Labcorp
Classification: Uncertain significance. Last evaluated: 2023-10-10. Review status: criteria provided, single submitter. Criteria: Invitae Variant Classification Sherloc (09022015). Collection method: clinical testing. Allele origin: germline.
Comment: This sequence change replaces serine, which is neutral and polar, with proline, which is neutral and non-polar, at codon 433 of the SUCO protein (p.Ser433Pro). This variant is not present in population databases (gnomAD no frequency). This variant has not been reported in the literature in individuals affected with SUCO-related conditions. An algorithm developed to predict the effect of missense changes on protein structure and function (PolyPhen-2) suggests that this variant is likely to be disruptive. In summary, the available evidence is currently insufficient to determine the role of this variant in disease. Therefore, it has been classified as a Variant of Uncertain Significance.

NM_014283.5(SUCO):c.1297T>C (p.Ser433Pro)

Gene: SUCO (SUN domain containing ossification factor; plus strand). Cytogenetic location: 1q24.3.
Variant type: single nucleotide variant.
Coding change: c.1297T>C on transcript NM_014283.5 (MANE Select); coding-DNA position 1297, T replaced by C.
Protein change: p.Ser433Pro; replaces serine 433 with proline.
Molecular consequence: missense variant. On other transcripts: 5 prime UTR variant (1).
Genome position (GRCh38, 1-based): chr1:172,577,776, T>C. VCF-style: chr1-172577776-T-C. GRCh37 (hg19) VCF-style: chr1-172546916-T-C.
Other names: c.1186T>C, p.Ser396Pro (NM_001282750.2); c.-233T>C (NM_001282751.2); c.1750T>C, p.Ser584Pro (NM_016227.4); short protein forms S396P, S433P, S584P.
Identifiers: ClinVar variation 2767494 (VCV002767494.3), dbSNP rs2527374852, ClinGen allele CA343739126.